The following is an entry in ClinVar:

ClinVar aggregate classification (germline): Uncertain significance (1 of 4 stars; one submission).

Submission:

GeneDx
Classification: Uncertain significance. Last evaluated: 2023-04-03. Review status: criteria provided, single submitter. Criteria: GeneDx Variant Classification Process June 2021. Collection method: clinical testing. Allele origin: germline. Affected: yes.
Comment: Not observed at significant frequency in large population cohorts (gnomAD); In silico analysis supports that this missense variant has a deleterious effect on protein structure/function; Has not been previously published as pathogenic or benign to our knowledge

NM_032119.4(ADGRV1):c.1278T>G (p.His426Gln)

Gene: ADGRV1 (adhesion G protein-coupled receptor V1; plus strand). Cytogenetic location: 5q14.3.
Variant type: single nucleotide variant.
Coding change: c.1278T>G on transcript NM_032119.4 (MANE Select); coding-DNA position 1278, T replaced by G.
Protein change: p.His426Gln; replaces histidine 426 with glutamine.
Molecular consequence: missense variant. On other transcripts: non-coding transcript variant (1).
Genome position (GRCh38, 1-based): chr5:90,628,601, T>G. VCF-style: chr5-90628601-T-G. GRCh37 (hg19) VCF-style: chr5-89924418-T-G.
Other names: short protein forms H426Q.
Identifiers: ClinVar variation 2662495 (VCV002662495.1), dbSNP rs2149381187, ClinGen allele CA360371492.
Genomic context (GRCh38, chr5:90,628,601, plus strand): 5'-ATTTCTTTTAAAACATTTAAGATATGAAGAAATCACAGTGGTTAGAAATGGAGGAACCCA[T>G]GGGAATGTCTCTGCGAATTGGGTGTTGACACGGAACAGCACTGATCCCTCACCAGTAACA-3'
Protein context (NP_115495.3, residues 416-436): EITVVRNGGT[His426Gln]GNVSANWVLT